The following is an entry in ClinVar:

NM_004177.5(STX3):c.739C>T (p.Arg247Ter)

Gene: STX3 (syntaxin 3; plus strand). Cytogenetic location: 11q12.1.
Variant type: single nucleotide variant.
Coding change: c.739C>T on transcript NM_004177.5 (MANE Select); coding-DNA position 739, C replaced by T.
Protein change: p.Arg247Ter; replaces arginine 247 with a stop codon.
Molecular consequence: nonsense.
Genome position (GRCh38, 1-based): chr11:59,795,435, C>T. VCF-style: chr11-59795435-C-T. GRCh37 (hg19) VCF-style: chr11-59562908-C-T.
Other names: c.739C>T, p.Arg247Ter (NM_001178040.3); short protein forms R247*.
Identifiers: ClinVar variation 1069027 (VCV001069027.14), dbSNP rs575668968, ClinGen allele CA6020995.

ClinVar aggregate classification (germline): Pathogenic. Review status: criteria provided, multiple submitters, no conflicts (2 of 4 stars). 5 submissions from 5 submitters: Pathogenic (2). 3 of the submissions do not count toward it. Last evaluated 2023-03-30.

Conditions:
STX3-related disorder. Also called: STX3-related condition.
Diarrhea 12, with microvillus atrophy. Also called: MICROVILLUS INCLUSION DISEASE 2. Identifiers: MedGen C5561942, MONDO:0030335, OMIM 619445.

Submissions (5):

Labcorp Genetics (formerly Invitae), Labcorp
Classification: Pathogenic. Last evaluated: 2023-03-30. Review status: criteria provided, single submitter. Criteria: Invitae Variant Classification Sherloc (09022015). Collection method: clinical testing. Allele origin: germline.
Comment: For these reasons, this variant has been classified as Pathogenic. ClinVar contains an entry for this variant (Variation ID: 1069027). This sequence change creates a premature translational stop signal (p.Arg247*) in the STX3 gene. It is expected to result in an absent or disrupted protein product. Loss-of-function variants in STX3 are known to be pathogenic (PMID: 24726755). The frequency data for this variant in the population databases is considered unreliable, as metrics indicate poor data quality at this position in the gnomAD database. This premature translational stop signal has been observed in individual(s) with microvillus inclusion disease (PMID: 24726755).

Blueprint Genetics
Classification: Pathogenic for STX3-related disorders. Last evaluated: 2022-07-17. Review status: criteria provided, single submitter. Criteria: ACMG Guidelines, 2015. Collection method: clinical testing. Allele origin: germline. Affected: yes. Observed: 1 variant allele.

OMIM
Classification: Pathogenic for DIARRHEA 12, WITH MICROVILLUS ATROPHY. Last evaluated: 2021-07-21. Review status: no assertion criteria provided. Collection method: literature only. Allele origin: germline. Not counted in ClinVar's aggregate classification.

Genome Diagnostics Laboratory, University Medical Center Utrecht
Classification: Pathogenic. Review status: no assertion criteria provided. Collection method: clinical testing. Allele origin: germline. Affected: yes. Study: VKGL Data-share Consensus. Not counted in ClinVar's aggregate classification.

Joint Genome Diagnostic Labs from Nijmegen and Maastricht, Radboudumc and MUMC+
Classification: Pathogenic. Review status: no assertion criteria provided. Collection method: clinical testing. Allele origin: germline. Affected: yes. Study: VKGL Data-share Consensus. Not counted in ClinVar's aggregate classification.

Literature cited by the submitters: PubMed 24726755 (cited by Labcorp Genetics (formerly Invitae), Labcorp and OMIM); PubMed 29282386 (cited by OMIM).